The following is an entry in ClinVar:

ClinVar aggregate classification (germline): Pathogenic (1 of 4 stars; one submission).

Conditions:
Deficiency of hyaluronoglucosaminidase (MPS9). Also called: HYALURONIDASE DEFICIENCY; MPS IX; Mucopolysaccharidosis type 9. Identifiers: Orphanet 67041, MedGen C1291490, MONDO:0011093, OMIM 601492.

Allele frequency attached by ClinVar (database versions not stated): gnomAD exomes below 0.00001; ExAC 0.00001.

Submission:

Labcorp Genetics (formerly Invitae), Labcorp
Classification: Pathogenic for Deficiency of hyaluronoglucosaminidase. Last evaluated: 2023-07-28. Review status: criteria provided, single submitter. Criteria: Invitae Variant Classification Sherloc (09022015). Collection method: clinical testing. Allele origin: germline.
Comment: This sequence change creates a premature translational stop signal (p.Gln64*) in the HYAL1 gene. It is expected to result in an absent or disrupted protein product. Loss-of-function variants in HYAL1 are known to be pathogenic (PMID: 10339581, 21559944). For these reasons, this variant has been classified as Pathogenic. This variant has not been reported in the literature in individuals affected with HYAL1-related conditions. This variant is present in population databases (rs782190610, gnomAD 0.0009%).

Literature cited by the submitters: PubMed 10339581; PubMed 21559944.

NM_033159.4(HYAL1):c.190C>T (p.Gln64Ter)

Gene: HYAL1 (hyaluronidase 1; minus strand). Cytogenetic location: 3p21.31.
Variant type: single nucleotide variant.
Coding change: c.190C>T on transcript NM_033159.4 (MANE Select); coding-DNA position 190, C replaced by T.
Protein change: p.Gln64Ter; replaces glutamine 64 with a stop codon.
Molecular consequence: nonsense. On other transcripts: non-coding transcript variant (1), intron variant (2).
Genome position (GRCh38, 1-based): chr3:50,302,767, G>A on the plus strand (C>T on the coding strand, the complement: HYAL1 is on the minus strand). VCF-style: chr3-50302767-G-A. GRCh37 (hg19) VCF-style: chr3-50340198-G-A.
Other names: c.190C>T, p.Gln64Ter (NM_007312.3, NM_153281.2, NM_153282.3); c.-26-562C>T (NM_153285.3); c.-213-144C>T (NM_153283.3); short protein forms Q64*.
Identifiers: ClinVar variation 2849832 (VCV002849832.3), dbSNP rs782190610, ClinGen allele CA2415997.
Genomic context (GRCh38, chr3:50,302,767, plus strand): 5'-AGGGGTAGGTGCCCAGCTGGGAGCTATAGAAAATTGTCATGTCAGGGCCGCGGAAGGTCT[G>A]CCCTGGGTTGGCTACCACATCGAAGACACTGACATCCACGTCCACACCGTGCCTCTCCAG-3'